The following is an entry in ClinVar:

ClinVar aggregate classification (germline): Likely benign. Review status: criteria provided, multiple submitters, no conflicts (2 of 4 stars). 3 submissions from 3 submitters: Likely benign (2). 1 of the submissions does not count toward it. Last evaluated 2026-03-01.

Conditions:
TANC2-related disorder. Also called: TANC2-related condition.

Allele frequency attached by ClinVar (database versions not stated): gnomAD exomes 0.00009; ExAC 0.00025; gnomAD 0.00092; TOPMed 0.00102; ESP Exome Variant Server 0.00113; 1000 Genomes Project 0.00160; 1000 Genomes Project 30x 0.00187.
gnomAD v4.1: 277 of 1,610,898 alleles (0.017%); highest among the groups gnomAD compares: African/African-American, 0.33%; 1 homozygote.

Submissions (3):

CeGaT Center for Human Genetics Tuebingen
Classification: Likely benign. Last evaluated: 2026-03-01. Review status: criteria provided, single submitter. Criteria: CeGaT Center For Human Genetics Tuebingen Variant Classification Criteria Version 2. Collection method: clinical testing. Allele origin: germline. Affected: yes. Observed: 1 variant allele.
Comment: TANC2: BP4, BP7

Blueprint Genetics
Classification: Likely benign. Last evaluated: 2024-11-06. Review status: criteria provided, single submitter. Criteria: ACMG Guidelines, 2015. Collection method: clinical testing. Allele origin: germline.

PreventionGenetics, part of Exact Sciences
Classification: Likely benign for TANC2-related condition. Last evaluated: 2019-06-07. Review status: no assertion criteria provided. Collection method: clinical testing. Allele origin: germline. Not counted in ClinVar's aggregate classification.
Comment: This variant is classified as likely benign based on ACMG/AMP sequence variant interpretation guidelines (Richards et al. 2015 PMID: 25741868, with internal and published modifications).

NM_001394998.1(TANC2):c.3762G>A (p.Glu1254=)

Genes: TANC2 (tetratricopeptide repeat, ankyrin repeat and coiled-coil containing 2; plus strand), LOC105371856 (uncharacterized LOC105371856; minus strand). Cytogenetic location: 17q23.3.
Variant type: single nucleotide variant.
Coding change: c.3762G>A on transcript NM_001394998.1 (MANE Select); coding-DNA position 3762, G replaced by A.
Protein change: p.Glu1254=; no amino-acid change (glutamic acid 1254 retained).
Molecular consequence: synonymous variant.
Genome position (GRCh38, 1-based): chr17:63,411,683, G>A. VCF-style: chr17-63411683-G-A. GRCh37 (hg19) VCF-style: chr17-61489044-G-A.
Other names: c.3540G>A, p.Glu1180= (NM_001411076.1, NM_025185.4).
Identifiers: ClinVar variation 3044595 (VCV003044595.7), dbSNP rs192524599, ClinGen allele CA8698067.